The following is an entry in ClinVar:

ClinVar aggregate classification (germline): Likely benign (1 of 4 stars; one submission).

Allele frequency attached by ClinVar (database versions not stated): gnomAD 0.00078; TOPMed 0.00080; ExAC 0.00083; 1000 Genomes Project 30x 0.00156; ESP Exome Variant Server 0.00038; gnomAD exomes 0.00062; 1000 Genomes Project 0.00200.
gnomAD v4.1: 1,006 of 1,601,208 alleles (0.063%); highest among the groups gnomAD compares: South Asian, 0.3%; 1 homozygote.

Submission:

CeGaT Center for Human Genetics Tuebingen
Classification: Likely benign. Last evaluated: 2022-03-01. Review status: criteria provided, single submitter. Criteria: CeGaT Center For Human Genetics Tuebingen Variant Classification Criteria Version 2. Collection method: clinical testing. Allele origin: germline. Affected: yes. Observed: 1 variant allele.
Comment: CDC42BPG: BP4, BP7

NM_017525.3(CDC42BPG):c.2019G>A (p.Thr673=)

Gene: CDC42BPG (CDC42 binding protein kinase gamma; minus strand). Cytogenetic location: 11q13.1.
Variant type: single nucleotide variant.
Coding change: c.2019G>A on transcript NM_017525.3 (MANE Select); coding-DNA position 2019, G replaced by A.
Protein change: p.Thr673=; no amino-acid change (threonine 673 retained).
Molecular consequence: synonymous variant.
Genome position (GRCh38, 1-based): chr11:64,835,088, C>T on the plus strand (G>A on the coding strand, the complement: CDC42BPG is on the minus strand). VCF-style: chr11-64835088-C-T. GRCh37 (hg19) VCF-style: chr11-64602560-C-T.
Identifiers: ClinVar variation 2641936 (VCV002641936.24), dbSNP rs141739556, ClinGen allele CA6083246.
Genomic context (GRCh38, chr11:64,835,088, plus strand): 5'-ACCCACCCCTGGCACCCACCAGCTGAGGATGTCGGCGAGCTGGGCCTCCCAGTTGCTCTC[C>T]GTCTCCCGCCGCTCACCCTCCAGCCGCTGCTTGCTCTCCTGCTCCTGGGCCAGCTCTGCT-3'
Protein context (NP_059995.2, residues 663-683): KQRLEGERRE[Thr673=]ESNWEAQLAD